The following is an entry in ClinVar:

NM_024529.5(CDC73):c.612C>A (p.Asp204Glu)

Gene: CDC73 (cell division cycle 73; plus strand). Cytogenetic location: 1q31.2.
Variant type: single nucleotide variant.
Coding change: c.612C>A on transcript NM_024529.5 (MANE Select); coding-DNA position 612, C replaced by A.
Protein change: p.Asp204Glu; replaces aspartic acid 204 with glutamic acid.
Molecular consequence: missense variant.
Genome position (GRCh38, 1-based): chr1:193,141,949, C>A. VCF-style: chr1-193141949-C-A. GRCh37 (hg19) VCF-style: chr1-193111079-C-A.
Other names: short protein forms D204E.
Identifiers: ClinVar variation 4824175 (VCV004824175.1).
Genomic context (GRCh38, chr1:193,141,949, plus strand): 5'-AATCAAAGCCAAAATTATGGCTAAGAAAAGATCTACTATCAAGACTGATCTAGATGATGA[C>A]ATAACTGCCCTTAAACAGAGGAGTTTTGTGGATGCTGAGGTAGATGTGACCCGAGATATT-3'
Protein context (NP_078805.3, residues 194-214): RSTIKTDLDD[Asp204Glu]ITALKQRSFV

ClinVar aggregate classification (germline): Uncertain significance (1 of 4 stars; one submission).

Conditions:
Hereditary cancer-predisposing syndrome. Also called: Neoplastic Syndromes, Hereditary; Hereditary neoplastic syndrome; Tumor predisposition; Hereditary Cancer Syndrome. Identifiers: Orphanet 140162, MedGen C0027672, MeSH D009386, MONDO:0015356.

Submission:

Ambry Genetics
Classification: Uncertain significance for Hereditary cancer-predisposing syndrome. Last evaluated: 2026-02-13. Review status: criteria provided, single submitter. Criteria: Ambry Variant Classification Scheme 2023. Collection method: clinical testing. Allele origin: germline.
Comment: The p.D204E variant (also known as c.612C>A), located in coding exon 7 of the CDC73 gene, results from a C to A substitution at nucleotide position 612. The aspartic acid at codon 204 is replaced by glutamic acid, an amino acid with highly similar properties. This amino acid position is highly conserved in available vertebrate species. In addition, this alteration is predicted to be tolerated by in silico analysis. Based on the available evidence, the clinical significance of this variant remains unclear.